The following is an entry in ClinVar:

NM_033124.5(DRC2):c.1218A>G (p.Lys406=)

Gene: DRC2 (dynein regulatory complex subunit 2; plus strand). Cytogenetic location: 12q13.12.
Variant type: single nucleotide variant.
Coding change: c.1218A>G on transcript NM_033124.5 (MANE Select); coding-DNA position 1218, A replaced by G.
Protein change: p.Lys406=; no amino-acid change (lysine 406 retained).
Molecular consequence: synonymous variant.
Genome position (GRCh38, 1-based): chr12:48,921,206, A>G. VCF-style: chr12-48921206-A-G. GRCh37 (hg19) VCF-style: chr12-49314989-A-G.
Other names: c.789A>G, p.Lys263= (NM_001286957.2); c.1218A>G (NM_033124.4).
Identifiers: ClinVar variation 1119658 (VCV001119658.11), dbSNP rs990451120, ClinGen allele CA236605875.

ClinVar aggregate classification (germline): Likely benign. Review status: criteria provided, single submitter (1 of 4 stars). 2 submissions from 2 submitters: Likely benign (1). 1 of the submissions does not count toward it. Last evaluated 2023-04-29.

Conditions:
Primary ciliary dyskinesia 27. Also called: CILIARY DYSKINESIA, PRIMARY, 27, WITHOUT SITUS INVERSUS. Identifiers: Orphanet 244, MedGen C3809701, MONDO:0014215, OMIM 615504.
CCDC65-related disorder. Also called: CCDC65-related condition.

Allele frequency attached by ClinVar (database versions not stated): gnomAD exomes below 0.00001; gnomAD 0.00007; TOPMed 0.00009.
gnomAD v4.1: 16 of 1,614,182 alleles (0.00099%); highest among the groups gnomAD compares: African/African-American, 0.017%; no homozygotes.

Submissions (2):

Labcorp Genetics (formerly Invitae), Labcorp
Classification: Likely benign for Primary ciliary dyskinesia 27. Last evaluated: 2023-04-29. Review status: criteria provided, single submitter. Criteria: Invitae Variant Classification Sherloc (09022015). Collection method: clinical testing. Allele origin: germline.

PreventionGenetics, part of Exact Sciences
Classification: Likely benign for CCDC65-related condition. Last evaluated: 2019-04-05. Review status: no assertion criteria provided. Collection method: clinical testing. Allele origin: germline. Not counted in ClinVar's aggregate classification.
Comment: This variant is classified as likely benign based on ACMG/AMP sequence variant interpretation guidelines (Richards et al. 2015 PMID: 25741868, with internal and published modifications).